The following is an entry in ClinVar:

ClinVar aggregate classification (germline): Pathogenic/Likely pathogenic. Review status: criteria provided, multiple submitters, no conflicts (2 of 4 stars). 4 submissions from 4 submitters: Pathogenic (2); Likely pathogenic (2). Last evaluated 2026-03-11.

Conditions:
Neuronopathy, distal hereditary motor, autosomal recessive 4. Also called: Autosomal recessive lower motor neuron disease with childhood onset; NEUROPATHY, DISTAL HEREDITARY MOTOR, AUTOSOMAL RECESSIVE 4. Identifiers: Orphanet 206580, MedGen C1970211, MONDO:0012608, OMIM 611067.
Charcot-Marie-Tooth disease recessive intermediate C. Also called: CHARCOT-MARIE-TOOTH NEUROPATHY, RECESSIVE INTERMEDIATE C. Identifiers: Orphanet 369867, MedGen C3809309, MONDO:0014154, OMIM 615376.

Allele frequency attached by ClinVar (database versions not stated): TOPMed 0.00001; ExAC 0.00002; gnomAD exomes 0.00002 and 0.00003.
gnomAD v4.1: 9 of 1,613,804 alleles (0.00056%); highest among the groups gnomAD compares: Admixed American, 0.013%; no homozygotes.

Submissions (4):

Women's Health and Genetics/Laboratory Corporation of America, LabCorp
Classification: Pathogenic for Neuronopathy, distal hereditary motor, autosomal recessive 4. Last evaluated: 2026-03-11. Review status: criteria provided, single submitter. Criteria: LabCorp Variant Classification Summary - May 2015. Collection method: clinical testing. Allele origin: germline.
Comment: Variant summary: PLEKHG5 c.2053C>T (p.Gln685X) results in a premature termination codon, predicted to cause a truncation of the encoded protein or absence of the protein due to nonsense mediated decay, which are commonly known mechanisms for disease. The variant allele was found at a frequency of 3.2e-05 in 250402 control chromosomes. To our knowledge, no occurrence of c.2053C>T in individuals affected with PLEKHG5-related conditions and no experimental evidence demonstrating its impact on protein function have been reported. ClinVar contains an entry for this variant (Variation ID: 489025). Based on the evidence outlined above, the variant was classified as pathogenic.

Labcorp Genetics (formerly Invitae), Labcorp
Classification: Pathogenic for Neuronopathy, distal hereditary motor, autosomal recessive 4; Charcot-Marie-Tooth disease recessive intermediate C. Last evaluated: 2025-03-07. Review status: criteria provided, single submitter. Criteria: Invitae Variant Classification Sherloc (09022015). Collection method: clinical testing. Allele origin: germline.
Comment: This sequence change creates a premature translational stop signal (p.Gln685*) in the PLEKHG5 gene. It is expected to result in an absent or disrupted protein product. Loss-of-function variants in PLEKHG5 are known to be pathogenic (PMID: 17564964, 23777631). This variant is present in population databases (rs772217003, gnomAD 0.02%). This variant has not been reported in the literature in individuals affected with PLEKHG5-related conditions. ClinVar contains an entry for this variant (Variation ID: 489025). For these reasons, this variant has been classified as Pathogenic.

Fulgent Genetics
Classification: Likely pathogenic for Neuronopathy, distal hereditary motor, autosomal recessive 4; Charcot-Marie-Tooth disease recessive intermediate C. Last evaluated: 2024-03-12. Review status: criteria provided, single submitter. Criteria: ACMG Guidelines, 2015. Collection method: clinical testing. Allele origin: germline.

GeneDx
Classification: Likely pathogenic. Last evaluated: 2022-09-27. Review status: criteria provided, single submitter. Criteria: GeneDx Variant Classification Process June 2021. Collection method: clinical testing. Allele origin: germline. Affected: yes.
Comment: Nonsense variant predicted to result in protein truncation or nonsense mediated decay in a gene for which loss of function is a known mechanism of disease; Has not been previously published as pathogenic or benign to our knowledge

Literature cited by the submitters: PubMed 17564964 (cited by Labcorp Genetics (formerly Invitae), Labcorp); PubMed 23777631 (cited by Labcorp Genetics (formerly Invitae), Labcorp).

NM_020631.6(PLEKHG5):c.2053C>T (p.Gln685Ter)

Gene: PLEKHG5 (pleckstrin homology and RhoGEF domain containing G5; minus strand). Cytogenetic location: 1p36.31.
Variant type: single nucleotide variant.
Coding change: c.2053C>T on transcript NM_020631.6 (MANE Select); coding-DNA position 2053, C replaced by T.
Protein change: p.Gln685Ter; replaces glutamine 685 with a stop codon.
Molecular consequence: nonsense.
Genome position (GRCh38, 1-based): chr1:6,469,238, G>A on the plus strand (C>T on the coding strand, the complement: PLEKHG5 is on the minus strand). VCF-style: chr1-6469238-G-A. GRCh37 (hg19) VCF-style: chr1-6529298-G-A.
Other names: c.2164C>T, p.Gln722Ter (NM_001042663.3, NM_001265592.2); c.2053C>T, p.Gln685Ter (NM_001042664.2, NM_001042665.2, NM_001265594.3 and 1 more transcripts); c.2260C>T, p.Gln754Ter (NM_001265593.2); short protein forms Q685*, Q754*, Q722*.
Identifiers: ClinVar variation 489025 (VCV000489025.14), dbSNP rs772217003, ClinGen allele CA561265.
Genomic context (GRCh38, chr1:6,469,238, plus strand): 5'-CCAGGCTCTGCAGGGGCTGCTGACTGCCTGGGGGCTCCTGTGCACGCAGCTGTTGCAGCT[G>A]GTTCTGCAGGCAAGGTTGGGGTACATGGGACAGAATGGGTTGTGACCAGCATCTCCCTAA-3'